The following is an entry in ClinVar:

NM_001486.4(GCKR):c.1369A>G (p.Ile457Val)

Gene: GCKR (glucokinase regulator; plus strand). Cytogenetic location: 2p23.3.
Variant type: single nucleotide variant.
Coding change: c.1369A>G on transcript NM_001486.4 (MANE Select); coding-DNA position 1369, A replaced by G.
Protein change: p.Ile457Val; replaces isoleucine 457 with valine.
Molecular consequence: missense variant.
Genome position (GRCh38, 1-based): chr2:27,508,198, A>G. VCF-style: chr2-27508198-A-G. GRCh37 (hg19) VCF-style: chr2-27731065-A-G.
Other names: short protein forms I457V.
Identifiers: ClinVar variation 3609154 (VCV003609154.2).
Genomic context (GRCh38, chr2:27,508,198, plus strand): 5'-CCTCTCCTGCTCCTCTTTCTCTCTCTCCAGATCCCTCTGAAGAAGCTCTTTCCCTCCATC[A>G]TCAGCATCACATGGCCACTGCTTTTCTTTGAATATGAAGGGAACTTCATCCAGGTATGGG-3'
Protein context (NP_001477.2, residues 447-467): IPLKKLFPSI[Ile457Val]SITWPLLFFE

ClinVar aggregate classification (germline): Uncertain significance (1 of 4 stars; one submission).

gnomAD v4.1: 18 of 1,612,466 alleles (0.0011%); highest among the groups gnomAD compares: Non-Finnish European, 0.0014%; no homozygotes.

Submission:

Labcorp Genetics (formerly Invitae), Labcorp
Classification: Uncertain significance. Last evaluated: 2024-10-09. Review status: criteria provided, single submitter. Criteria: Invitae Variant Classification Sherloc (09022015). Collection method: clinical testing. Allele origin: germline.
Comment: This sequence change replaces isoleucine, which is neutral and non-polar, with valine, which is neutral and non-polar, at codon 457 of the GCKR protein (p.Ile457Val). This variant is present in population databases (rs771766783, gnomAD 0.003%). This missense change has been observed in individual(s) with clinical features of GCKR-related conditions (PMID: 36325899). Invitae Evidence Modeling of protein sequence and biophysical properties (such as structural, functional, and spatial information, amino acid conservation, physicochemical variation, residue mobility, and thermodynamic stability) indicates that this missense variant is not expected to disrupt GCKR protein function with a negative predictive value of 80%. In summary, the available evidence is currently insufficient to determine the role of this variant in disease. Therefore, it has been classified as a Variant of Uncertain Significance.

Literature cited by the submitters: PubMed 36325899.